The following is an entry in ClinVar:

NM_003482.4(KMT2D):c.10740+3G>C

Gene: KMT2D (lysine methyltransferase 2D; minus strand). Cytogenetic location: 12q13.12.
Variant type: single nucleotide variant.
Coding change: c.10740+3G>C on transcript NM_003482.4 (MANE Select); 3 bases into the intron after coding-DNA position 10740, G replaced by C.
Molecular consequence: intron variant.
Genome position (GRCh38, 1-based): chr12:49,034,064, C>G on the plus strand (G>C on the coding strand, the complement: KMT2D is on the minus strand). VCF-style: chr12-49034064-C-G. GRCh37 (hg19) VCF-style: chr12-49427847-C-G.
Identifiers: ClinVar variation 1524123 (VCV001524123.7), dbSNP rs1291336676, ClinGen allele CA605233651.

ClinVar aggregate classification (germline): Uncertain significance. Review status: criteria provided, multiple submitters, no conflicts (2 of 4 stars). 2 submissions from 2 submitters: Uncertain significance (2). Last evaluated 2025-09-24.

Conditions:
Kabuki syndrome. Also called: Kabuki make-up syndrome; NIIKAWA-KUROKI SYNDROME. Identifiers: MedGen C0796004, MONDO:0016512, Orphanet 2322.

Allele frequency attached by ClinVar (database versions not stated): gnomAD exomes below 0.00001; TOPMed below 0.00001.
gnomAD v4.1: 13 of 1,611,164 alleles (0.00081%); highest among the groups gnomAD compares: Middle Eastern, 0.016%; no homozygotes.

Submissions (2):

Labcorp Genetics (formerly Invitae), Labcorp
Classification: Uncertain significance for Kabuki syndrome. Last evaluated: 2025-09-24. Review status: criteria provided, single submitter. Criteria: Invitae Variant Classification Sherloc (09022015). Collection method: clinical testing. Allele origin: germline.
Comment: This sequence change falls in intron 38 of the KMT2D gene. It does not directly change the encoded amino acid sequence of the KMT2D protein. It affects a nucleotide within the consensus splice site. This variant is present in population databases (no rsID available, gnomAD 0.0009%). This variant has not been reported in the literature in individuals affected with KMT2D-related conditions. ClinVar contains an entry for this variant (Variation ID: 1524123). Variants that disrupt the consensus splice site are a relatively common cause of aberrant splicing (PMID: 17576681, 9536098). Algorithms developed to predict the effect of sequence changes on RNA splicing suggest that this variant is not likely to affect RNA splicing. In summary, the available evidence is currently insufficient to determine the role of this variant in disease. Therefore, it has been classified as a Variant of Uncertain Significance.

Blueprint Genetics
Classification: Uncertain significance. Last evaluated: 2024-05-31. Review status: criteria provided, single submitter. Criteria: ACMG Guidelines, 2015. Collection method: clinical testing. Allele origin: germline.

Literature cited by the submitters: PubMed 17576681 (cited by Labcorp Genetics (formerly Invitae), Labcorp); PubMed 9536098 (cited by Labcorp Genetics (formerly Invitae), Labcorp).